The following is an entry in ClinVar:

NM_001903.5(CTNNA1):c.1343del (p.Lys448fs)

Gene: CTNNA1 (catenin alpha 1; plus strand). Cytogenetic location: 5q31.2.
Variant type: Deletion.
Coding change: c.1343del on transcript NM_001903.5 (MANE Select); coding-DNA position 1343, one base deleted (A; older notation c.1343delA).
Protein change: p.Lys448fs; shifts the reading frame from lysine 448.
Molecular consequence: frameshift variant. On other transcripts: 5 prime UTR variant (6), intron variant (3).
Genome position (GRCh38, 1-based): chr5:138,904,395, A deleted; the last of 3 consecutive A bases (chr5:138,904,393-138,904,395); deleting any one gives the same sequence. VCF-style (leftmost placement, unchanged base first): chr5-138904392-TA-T. GRCh37 (hg19) VCF-style: chr5-138240081-TA-T.
Other names: c.1343del, p.Lys448fs (NM_001290307.3, NM_001323982.2, NM_001323983.1 and 2 more transcripts); c.1034del, p.Lys345fs (NM_001290309.3); c.974del, p.Lys325fs (NM_001290310.3); c.233del, p.Lys78fs (NM_001290312.1, NM_001323987.1, NM_001323988.1 and 17 more transcripts); c.-165del (NM_001324006.1, NM_001324007.1, NM_001324008.1 and 1 more transcripts); c.-11del (NM_001324012.1, NM_001324013.1); c.1297-13347del (NM_001323986.2); c.187-13347del (NM_001324011.1); and 2 more; short protein forms K325fs, K345fs, K448fs, K78fs.
Identifiers: ClinVar variation 4539470 (VCV004539470.1).

ClinVar aggregate classification (germline): Likely pathogenic (1 of 4 stars; one submission).

Submission:

Center for Genomic Medicine, Rigshospitalet, Copenhagen University Hospital
Classification: Likely pathogenic. Last evaluated: 2025-12-29. Review status: criteria provided, single submitter. Criteria: ACMG Guidelines, 2015. Collection method: clinical testing. Allele origin: germline.
Comment: Classification criteria: PVS1, PM2_supporting